The following is an entry in ClinVar:

NC_000010.10:g.(?_72357643)_(72358951_?)del

Gene: PRF1 (perforin 1; minus strand). Cytogenetic location: 10q22.1.
Variant type: Deletion.
Identifiers: ClinVar variation 3244861 (VCV003244861.1).

ClinVar aggregate classification (germline): Pathogenic (1 of 4 stars; one submission).

Conditions:
Familial hemophagocytic lymphohistiocytosis 2 (FHL2). Also called: PRF1-Related Familial Hemophagocytic Lymphohistiocytosis (PRF1-fHLH). Identifiers: Orphanet 540, MedGen C1863727, MONDO:0011337, OMIM 603553.

Submission:

Labcorp Genetics (formerly Invitae), Labcorp
Classification: Pathogenic for Familial hemophagocytic lymphohistiocytosis 2. Last evaluated: 2023-11-20. Review status: criteria provided, single submitter. Criteria: Invitae Variant Classification Sherloc (09022015). Collection method: clinical testing. Allele origin: unknown.
Comment: This sequence change creates a premature translational stop signal (Partial Deletion (Exon 3)) in the PRF1 gene. While this is not anticipated to result in nonsense mediated decay, it is expected to disrupt the last 376 amino acid(s) of the PRF1 protein. This variant has not been reported in the literature in individuals affected with PRF1-related conditions. This variant disrupts a region of the PRF1 protein in which other variant(s) (p.Asp491Asn) have been determined to be pathogenic (PMID: 17477373, 25577959, 33746956). This suggests that this is a clinically significant region of the protein, and that variants that disrupt it are likely to be disease-causing. For these reasons, this variant has been classified as Pathogenic.

Literature cited by the submitters: PubMed 17477373; PubMed 25577959; PubMed 33746956.